The following is an entry in ClinVar:

NM_004517.4(ILK):c.352G>A (p.Asp118Asn)

Genes: ILK (integrin linked kinase; plus strand), TAF10 (TATA-box binding protein associated factor 10; minus strand). Cytogenetic location: 11p15.4.
Variant type: single nucleotide variant.
Coding change: c.352G>A on transcript NM_004517.4 (MANE Select); coding-DNA position 352, G replaced by A.
Protein change: p.Asp118Asn; replaces aspartic acid 118 with asparagine.
Molecular consequence: missense variant. On other transcripts: 5 prime UTR variant (1), 3 prime UTR variant (1), intron variant (1).
Genome position (GRCh38, 1-based): chr11:6,608,694, G>A. VCF-style: chr11-6608694-G-A. GRCh37 (hg19) VCF-style: chr11-6629924-G-A.
Other names: c.352G>A, p.Asp118Asn (NM_001014794.3, NM_001014795.3); c.-51G>A (NM_001278442.2); c.*2228C>T (NM_006284.4); c.352-190G>A (NM_001278441.2); short protein forms D118N.
Identifiers: ClinVar variation 1416430 (VCV001416430.6), dbSNP rs2134557218, ClinGen allele CA379457733.

ClinVar aggregate classification (germline): Uncertain significance (1 of 4 stars; one submission).

Conditions:
Primary familial hypertrophic cardiomyopathy (HCM). Identifiers: Orphanet 99739, MedGen C0949658, MeSH D024741, MONDO:0024573. Inheritance: Various modes of inheritance.

Allele frequency attached by ClinVar (database versions not stated): gnomAD exomes below 0.00001.
gnomAD v4.1: 1 of 1,613,610 alleles (0.000062%); highest among the groups gnomAD compares: African/African-American, 0.0013%; no homozygotes.

Submission:

Labcorp Genetics (formerly Invitae), Labcorp
Classification: Uncertain significance for Primary familial hypertrophic cardiomyopathy. Last evaluated: 2021-12-24. Review status: criteria provided, single submitter. Criteria: Invitae Variant Classification Sherloc (09022015). Collection method: clinical testing. Allele origin: germline.
Comment: This variant has not been reported in the literature in individuals affected with ILK-related conditions. This variant is not present in population databases (gnomAD no frequency). This sequence change replaces aspartic acid, which is acidic and polar, with asparagine, which is neutral and polar, at codon 118 of the ILK protein (p.Asp118Asn). Algorithms developed to predict the effect of missense changes on protein structure and function are either unavailable or do not agree on the potential impact of this missense change (SIFT: "Deleterious"; PolyPhen-2: "Benign"; Align-GVGD: "Class C15"). In summary, the available evidence is currently insufficient to determine the role of this variant in disease. Therefore, it has been classified as a Variant of Uncertain Significance.